The following is an entry in ClinVar:

ClinVar aggregate classification (germline): Likely benign. Review status: criteria provided, multiple submitters, no conflicts (2 of 4 stars). 3 submissions from 3 submitters: Likely benign (2). 1 of the submissions does not count toward it. Last evaluated 2025-06-10.

Conditions:
Epidermolysis bullosa simplex with nail dystrophy (EBS5D). Identifiers: MedGen C4225309, MONDO:0014661, OMIM 616487.
Epidermolysis bullosa simplex 5C, with pyloric atresia (EBS5C). Also called: PLEC-Related Epidermolysis Bullosa with Pyloric Atresia; Epidermolysis bullosa simplex with pyloric atresia; PLEC1-Related Epidermolysis Bullosa with Pyloric Atresia. Identifiers: Orphanet 158684, MedGen C2677349, MONDO:0012807, OMIM 612138.
Autosomal recessive limb-girdle muscular dystrophy type 2Q (LGMDR17). Also called: MUSCULAR DYSTROPHY, LIMB-GIRDLE, AUTOSOMAL RECESSIVE 17. Identifiers: Orphanet 254361, MedGen C3150989, MONDO:0013390, OMIM 613723.
Epidermolysis bullosa simplex 5B, with muscular dystrophy (EBS5B). Also called: EPIDERMOLYSIS BULLOSA SIMPLEX AND LIMB-GIRDLE MUSCULAR DYSTROPHY; Epidermolysis bullosa simplex with muscular dystrophy. Identifiers: Orphanet 257, MedGen C2931072, MONDO:0009181, OMIM 226670.
Epidermolysis bullosa simplex, Ogna type (EBS5A). Also called: Pidermolysis bullosa simplex 5A, Ogna type; EPIDERMOLYSIS BULLOSA SIMPLEX 5A, OGNA TYPE. Identifiers: Orphanet 79401, MedGen C0432317, MONDO:0007555, OMIM 131950.
PLEC-related disorder. Also called: PLEC-related condition; PLEC-related disorders.

Allele frequency attached by ClinVar (database versions not stated): gnomAD exomes 0.00007 and 0.00012; gnomAD 0.00009 and 0.00010; TOPMed 0.00013; ExAC 0.00022; 1000 Genomes Project 0.00060; 1000 Genomes Project 30x 0.00062.
gnomAD v4.1: 126 of 1,606,384 alleles (0.0078%); highest among the groups gnomAD compares: South Asian, 0.062%; 1 homozygote.

Submissions (3):

Labcorp Genetics (formerly Invitae), Labcorp
Classification: Likely benign for Autosomal recessive limb-girdle muscular dystrophy type 2Q; Epidermolysis bullosa simplex, Ogna type; Epidermolysis bullosa simplex with nail dystrophy; Epidermolysis bullosa simplex 5C, with pyloric atresia; Epidermolysis bullosa simplex 5B, with muscular dystrophy. Last evaluated: 2025-06-10. Review status: criteria provided, single submitter. Criteria: Invitae Variant Classification Sherloc (09022015). Collection method: clinical testing. Allele origin: germline.

Blueprint Genetics
Classification: Likely benign. Last evaluated: 2024-09-19. Review status: criteria provided, single submitter. Criteria: ACMG Guidelines, 2015. Collection method: clinical testing. Allele origin: germline.

PreventionGenetics, part of Exact Sciences
Classification: Likely benign for PLEC-related condition. Last evaluated: 2019-08-01. Review status: no assertion criteria provided. Collection method: clinical testing. Allele origin: germline. Not counted in ClinVar's aggregate classification.
Comment: This variant is classified as likely benign based on ACMG/AMP sequence variant interpretation guidelines (Richards et al. 2015 PMID: 25741868, with internal and published modifications).

NM_201384.3(PLEC):c.11307C>T (p.Thr3769=)

Gene: PLEC (plectin; minus strand). Cytogenetic location: 8q24.3.
Variant type: single nucleotide variant.
Coding change: c.11307C>T on transcript NM_201384.3 (MANE Select); coding-DNA position 11307, C replaced by T.
Protein change: p.Thr3769=; no amino-acid change (threonine 3769 retained).
Molecular consequence: synonymous variant.
Genome position (GRCh38, 1-based): chr8:143,918,514, G>A on the plus strand (C>T on the coding strand, the complement: PLEC is on the minus strand). VCF-style: chr8-143918514-G-A. GRCh37 (hg19) VCF-style: chr8-144992682-G-A.
Other names: c.11388C>T, p.Thr3796= (NM_000445.5); c.11265C>T, p.Thr3755= (NM_201378.4); c.11241C>T, p.Thr3747= (NM_201379.3); c.11718C>T, p.Thr3906= (NM_201380.4); c.11211C>T, p.Thr3737= (NM_201381.3); c.11307C>T, p.Thr3769= (NM_201382.4); c.11319C>T, p.Thr3773= (NM_201383.3).
Identifiers: ClinVar variation 704662 (VCV000704662.14), dbSNP rs563846739, ClinGen allele CA4924385.